The following is an entry in ClinVar:

ClinVar aggregate classification (germline): Uncertain significance. Review status: criteria provided, multiple submitters, no conflicts (2 of 4 stars). 2 submissions from 2 submitters: Uncertain significance (2). Last evaluated 2025-08-20.

Conditions:
Hereditary cancer-predisposing syndrome. Also called: Hereditary neoplastic syndrome; Hereditary Cancer Syndrome; Neoplastic Syndromes, Hereditary; Tumor predisposition. Identifiers: Orphanet 140162, MedGen C0027672, MeSH D009386, MONDO:0015356.
Familial cancer of breast. Also called: hereditary breast carcinoma; Hereditary breast cancer; BREAST CANCER, FAMILIAL. Identifiers: Orphanet 227535, MedGen C0346153, MONDO:0016419, OMIM 114480. Disease mechanism: loss of function.

Submissions (2):

Ambry Genetics
Classification: Uncertain significance for Hereditary cancer-predisposing syndrome. Last evaluated: 2025-08-20. Review status: criteria provided, single submitter. Criteria: Ambry Variant Classification Scheme 2023. Collection method: clinical testing. Allele origin: germline.
Comment: The p.M1134T variant (also known as c.3401T>C), located in coding exon 22 of the ATM gene, results from a T to C substitution at nucleotide position 3401. The methionine at codon 1134 is replaced by threonine, an amino acid with similar properties. This amino acid position is conserved. In addition, this alteration is predicted to be tolerated by in silico analysis. Since supporting evidence is limited at this time, the clinical significance of this alteration remains unclear.

Baylor Genetics
Classification: Uncertain significance for Familial cancer of breast. Last evaluated: 2023-08-09. Review status: criteria provided, single submitter. Criteria: ACMG Guidelines, 2015. Collection method: clinical testing. Allele origin: unknown.

NM_000051.4(ATM):c.3401T>C (p.Met1134Thr)

Gene: ATM (ATM serine/threonine kinase; plus strand). Cytogenetic location: 11q22.3.
Variant type: single nucleotide variant.
Coding change: c.3401T>C on transcript NM_000051.4 (MANE Select); coding-DNA position 3401, T replaced by C.
Protein change: p.Met1134Thr; replaces methionine 1134 with threonine.
Molecular consequence: missense variant.
Genome position (GRCh38, 1-based): chr11:108,279,607, T>C. VCF-style: chr11-108279607-T-C. GRCh37 (hg19) VCF-style: chr11-108150334-T-C.
Other names: c.3401T>C, p.Met1134Thr (NM_001351834.2); short protein forms M1134T.
Identifiers: ClinVar variation 2568193 (VCV002568193.4), dbSNP rs2135645729, ClinGen allele CA382517879.